The following is an entry in ClinVar:

NM_000465.4(BARD1):c.364+3A>G

Gene: BARD1 (BRCA1 associated RING domain 1; minus strand). Cytogenetic location: 2q35.
Variant type: single nucleotide variant.
Coding change: c.364+3A>G on transcript NM_000465.4 (MANE Select); 3 bases into the intron after coding-DNA position 364, A replaced by G.
Molecular consequence: intron variant.
Genome position (GRCh38, 1-based): chr2:214,792,294, T>C on the plus strand (A>G on the coding strand, the complement: BARD1 is on the minus strand). VCF-style: chr2-214792294-T-C. GRCh37 (hg19) VCF-style: chr2-215657018-T-C.
Other names: c.158+17118A>G (NM_001282548.2); c.307+3A>G (NM_001282543.2); c.215+4767A>G (NM_001282545.2); c.364+3A>G (NM_001282549.2).
Identifiers: ClinVar variation 964220 (VCV000964220.12), dbSNP rs1695552690, ClinGen allele CA1042189240.

ClinVar aggregate classification (germline): Uncertain significance. Review status: criteria provided, multiple submitters, no conflicts (2 of 4 stars). 3 submissions from 3 submitters: Uncertain significance (3). Last evaluated 2024-04-04.

Conditions:
Hereditary cancer-predisposing syndrome. Also called: Tumor predisposition; Hereditary neoplastic syndrome; Hereditary Cancer Syndrome; Neoplastic Syndromes, Hereditary. Identifiers: Orphanet 140162, MedGen C0027672, MeSH D009386, MONDO:0015356.
Familial cancer of breast. Also called: BREAST CANCER, FAMILIAL; Hereditary breast cancer; hereditary breast carcinoma. Identifiers: Orphanet 227535, MedGen C0346153, MONDO:0016419, OMIM 114480. Disease mechanism: loss of function.

Allele frequency attached by ClinVar (database versions not stated): TOPMed below 0.00001; gnomAD 0.00001.
gnomAD v4.1: 1 of 1,613,148 alleles (0.000062%); highest among the groups gnomAD compares: Admixed American, 0.0017%; no homozygotes.

Submissions (3):

Department of Pathology and Laboratory Medicine, Sinai Health System
Classification: Uncertain significance for Familial cancer of breast. Last evaluated: 2024-04-04. Review status: criteria provided, single submitter. Criteria: ACMG Guidelines, 2015. Collection method: clinical testing. Allele origin: germline. Affected: no.

Ambry Genetics
Classification: Uncertain significance for Hereditary cancer-predisposing syndrome. Last evaluated: 2023-12-18. Review status: criteria provided, single submitter. Criteria: Ambry Variant Classification Scheme 2023. Collection method: clinical testing. Allele origin: germline.
Comment: The c.364+3A>G intronic variant results from an A to G substitution 3 nucleotides after coding exon 3 in the BARD1 gene. This nucleotide position is poorly conserved in available vertebrate species. In silico splice site analysis predicts that this alteration will not have any significant effect on splicing; however, direct evidence is insufficient at this time (Ambry internal data). Since supporting evidence is limited at this time, the clinical significance of this alteration remains unclear.

Labcorp Genetics (formerly Invitae), Labcorp
Classification: Uncertain significance for Familial cancer of breast. Last evaluated: 2023-08-01. Review status: criteria provided, single submitter. Criteria: Invitae Variant Classification Sherloc (09022015). Collection method: clinical testing. Allele origin: germline.
Comment: This sequence change falls in intron 3 of the BARD1 gene. It does not directly change the encoded amino acid sequence of the BARD1 protein. It affects a nucleotide within the consensus splice site. This variant is not present in population databases (gnomAD no frequency). This variant has not been reported in the literature in individuals affected with BARD1-related conditions. ClinVar contains an entry for this variant (Variation ID: 964220). Variants that disrupt the consensus splice site are a relatively common cause of aberrant splicing (PMID: 17576681, 9536098). Algorithms developed to predict the effect of sequence changes on RNA splicing suggest that this variant is not likely to affect RNA splicing. In summary, the available evidence is currently insufficient to determine the role of this variant in disease. Therefore, it has been classified as a Variant of Uncertain Significance.

Literature cited by the submitters: PubMed 17576681 (cited by Labcorp Genetics (formerly Invitae), Labcorp); PubMed 9536098 (cited by Labcorp Genetics (formerly Invitae), Labcorp).